The following is an entry in ClinVar:

ClinVar aggregate classification (germline): Uncertain significance. Review status: criteria provided, multiple submitters, no conflicts (2 of 4 stars). 2 submissions from 2 submitters: Uncertain significance (2). Last evaluated 2023-10-27.

Conditions:
Inborn genetic diseases. Identifiers: MedGen C0950123, MeSH D030342.
Developmental and epileptic encephalopathy, 21 (DEE21). Also called: Early infantile epileptic encephalopathy 21. Identifiers: Orphanet 442835, MedGen C4014430, MONDO:0014360, OMIM 615833.

Allele frequency attached by ClinVar (database versions not stated): gnomAD exomes below 0.00001; ExAC 0.00001; gnomAD 0.00001; TOPMed 0.00003.
gnomAD v4.1: 6 of 1,613,524 alleles (0.00037%); highest among the groups gnomAD compares: Admixed American, 0.005%; no homozygotes.

Submissions (2):

Ambry Genetics
Classification: Uncertain significance for Inborn genetic diseases. Last evaluated: 2023-10-27. Review status: criteria provided, single submitter. Criteria: Ambry Variant Classification Scheme 2023. Collection method: clinical testing. Allele origin: germline.

Labcorp Genetics (formerly Invitae), Labcorp
Classification: Uncertain significance for Developmental and epileptic encephalopathy, 21. Last evaluated: 2022-10-17. Review status: criteria provided, single submitter. Criteria: Invitae Variant Classification Sherloc (09022015). Collection method: clinical testing. Allele origin: germline.
Comment: This sequence change replaces glycine, which is neutral and non-polar, with glutamic acid, which is acidic and polar, at codon 253 of the NECAP1 protein (p.Gly253Glu). This variant is present in population databases (rs765737930, gnomAD 0.003%). This variant has not been reported in the literature in individuals affected with NECAP1-related conditions. ClinVar contains an entry for this variant (Variation ID: 1023652). Algorithms developed to predict the effect of missense changes on protein structure and function are either unavailable or do not agree on the potential impact of this missense change (SIFT: "Tolerated"; PolyPhen-2: "Probably Damaging"; Align-GVGD: "Class C0"). In summary, the available evidence is currently insufficient to determine the role of this variant in disease. Therefore, it has been classified as a Variant of Uncertain Significance.

NM_015509.4(NECAP1):c.758G>A (p.Gly253Glu)

Gene: NECAP1 (NECAP endocytosis associated 1; plus strand). Cytogenetic location: 12p13.31.
Variant type: single nucleotide variant.
Coding change: c.758G>A on transcript NM_015509.4 (MANE Select); coding-DNA position 758, G replaced by A.
Protein change: p.Gly253Glu; replaces glycine 253 with glutamic acid.
Molecular consequence: missense variant. On other transcripts: non-coding transcript variant (1).
Genome position (GRCh38, 1-based): chr12:8,095,682, G>A. VCF-style: chr12-8095682-G-A. GRCh37 (hg19) VCF-style: chr12-8248278-G-A.
Other names: c.758G>A (NM_015509.3); short protein forms G253E.
Identifiers: ClinVar variation 1023652 (VCV001023652.7), dbSNP rs765737930, ClinGen allele CA6432350.
Genomic context (GRCh38, chr12:8,095,682, plus strand): 5'-CTCCTGCTCCTGTCACGACACCAGCACCAACTCCAGTTTCTGTAAGCAATGACTTGTGGG[G>A]AGACTTCAGCACTGCCTCCAGGTAATGGGCATAGTGAAACTAGCATACTCTCAATCAGGG-3'
Protein context (NP_056324.2, residues 243-263): TPVSVSNDLW[Gly253Glu]DFSTASSSVP